The following is an entry in ClinVar:

ClinVar aggregate classification (germline): Uncertain significance. Review status: criteria provided, multiple submitters, no conflicts (2 of 4 stars). 2 submissions from 2 submitters: Uncertain significance (2). Last evaluated 2026-03-25.

gnomAD v4.1: 3 of 1,614,104 alleles (0.00019%); highest among the groups gnomAD compares: Non-Finnish European, 0.00025%; no homozygotes.

Submissions (2):

Ambry Genetics
Classification: Uncertain significance. Last evaluated: 2026-03-25. Review status: criteria provided, single submitter. Criteria: Ambry Variant Classification Scheme 2023. Collection method: clinical testing. Allele origin: germline.

Labcorp Genetics (formerly Invitae), Labcorp
Classification: Uncertain significance. Last evaluated: 2025-09-08. Review status: criteria provided, single submitter. Criteria: Invitae Variant Classification Sherloc (09022015). Collection method: clinical testing. Allele origin: germline.
Comment: This sequence change replaces histidine, which is basic and polar, with tyrosine, which is neutral and polar, at codon 374 of the A2ML1 protein (p.His374Tyr). This variant is not present in population databases (gnomAD no frequency). This variant has not been reported in the literature in individuals affected with A2ML1-related conditions. An algorithm developed to predict the effect of missense changes on protein structure and function outputs the following: PolyPhen-2: "Benign". The tyrosine amino acid residue is found in multiple mammalian species, which suggests that this missense change does not adversely affect protein function. In summary, the available evidence is currently insufficient to determine the role of this variant in disease. Therefore, it has been classified as a Variant of Uncertain Significance.

NM_144670.6(A2ML1):c.1120C>T (p.His374Tyr)

Gene: A2ML1 (alpha-2-macroglobulin like 1; plus strand). Cytogenetic location: 12p13.31.
Variant type: single nucleotide variant.
Coding change: c.1120C>T on transcript NM_144670.6 (MANE Select); coding-DNA position 1120, C replaced by T.
Protein change: p.His374Tyr; replaces histidine 374 with tyrosine.
Molecular consequence: missense variant.
Genome position (GRCh38, 1-based): chr12:8,841,408, C>T. VCF-style: chr12-8841408-C-T. GRCh37 (hg19) VCF-style: chr12-8994004-C-T.
Other names: c.1120C>T (NM_144670.3); short protein forms H374Y.
Identifiers: ClinVar variation 4741594 (VCV004741594.2).
Genomic context (GRCh38, chr12:8,841,408, plus strand): 5'-GTAATGATCTTTGTCCTTCAGATAAGAGTTAGGGGCCATGATGACTCCTTCCTCAAGAAC[C>T]ATCTAGTGTTTCTGGTGATTTATGGCACAAATGGAACCTTCAACCAGACCCTGGTTACTG-3'
Protein context (NP_653271.3, residues 364-384): RGHDDSFLKN[His374Tyr]LVFLVIYGTN